The following is an entry in ClinVar:

ClinVar aggregate classification (germline): Likely benign (1 of 4 stars; one submission).

Submission:

CeGaT Center for Human Genetics Tuebingen
Classification: Likely benign. Last evaluated: 2022-05-01. Review status: criteria provided, single submitter. Criteria: CeGaT Center For Human Genetics Tuebingen Variant Classification Criteria Version 2. Collection method: clinical testing. Allele origin: germline. Affected: yes. Observed: 1 variant allele.
Comment: PLK4: PM2:Supporting, BP4, BP7

NM_014264.5(PLK4):c.2070C>T (p.Ser690=)

Gene: PLK4 (polo like kinase 4; plus strand). Cytogenetic location: 4q28.1.
Variant type: single nucleotide variant.
Coding change: c.2070C>T on transcript NM_014264.5 (MANE Select); coding-DNA position 2070, C replaced by T.
Protein change: p.Ser690=; no amino-acid change (serine 690 retained).
Molecular consequence: synonymous variant.
Genome position (GRCh38, 1-based): chr4:127,892,396, C>T. VCF-style: chr4-127892396-C-T. GRCh37 (hg19) VCF-style: chr4-128813551-C-T.
Other names: c.1974C>T, p.Ser658= (NM_001190799.2); c.1947C>T, p.Ser649= (NM_001190801.2).
Identifiers: ClinVar variation 2655094 (VCV002655094.24), dbSNP rs2546021669, ClinGen allele CA358160071.